The following is an entry in ClinVar:

ClinVar aggregate classification (germline): Likely benign. Review status: criteria provided, multiple submitters, no conflicts (2 of 4 stars). 2 submissions from 2 submitters: Likely benign (2). Last evaluated 2025-06-06.

Conditions:
Tuberous sclerosis 2 (TSC2). Identifiers: Orphanet 805, MedGen C1860707, MONDO:0013199, OMIM 613254.

gnomAD v4.1: 2 of 1,613,072 alleles (0.00012%); highest among the groups gnomAD compares: Middle Eastern, 0.016%; no homozygotes.

Submissions (2):

Myriad Genetics, Inc.
Classification: Likely benign for Tuberous sclerosis 2. Last evaluated: 2025-06-06. Review status: criteria provided, single submitter. Criteria: Myriad Autosomal Dominant, Autosomal Recessive and X-Linked Classification Criteria (2023). Collection method: clinical testing. Allele origin: unknown.
Comment: This variant is considered likely benign. This variant is intronic and is not expected to impact mRNA splicing.

Labcorp Genetics (formerly Invitae), Labcorp
Classification: Likely benign for Tuberous sclerosis 2. Last evaluated: 2024-08-27. Review status: criteria provided, single submitter. Criteria: Invitae Variant Classification Sherloc (09022015). Collection method: clinical testing. Allele origin: germline.

NM_000548.5(TSC2):c.5161-19C>T

Gene: TSC2 (TSC complex subunit 2; plus strand). Cytogenetic location: 16p13.3.
Variant type: single nucleotide variant.
Coding change: c.5161-19C>T on transcript NM_000548.5 (MANE Select); 19 bases into the intron before coding-DNA position 5161, C replaced by T.
Molecular consequence: intron variant.
Genome position (GRCh38, 1-based): chr16:2,088,208, C>T. VCF-style: chr16-2088208-C-T. GRCh37 (hg19) VCF-style: chr16-2138209-C-T.
Other names: c.5092-19C>T (NM_001114382.3); c.5032-19C>T (NM_021055.3); c.5032-31C>T (NM_001370405.1); c.4963-19C>T (NM_001363528.2); c.5029-19C>T (NM_001370404.1); c.4960-19C>T (NM_001077183.3); c.4852-19C>T (NM_001318827.2); c.4429-19C>T (NM_001318831.2); and 2 more.
Identifiers: ClinVar variation 2040634 (VCV002040634.5), dbSNP rs778290482, ClinGen allele CA2580091159.